The following is an entry in ClinVar:

ClinVar aggregate classification (germline): Conflicting classifications of pathogenicity. Review status: criteria provided, conflicting classifications (1 of 4 stars). 2 submissions from 2 submitters: Likely pathogenic (1); Uncertain significance (1). Last evaluated 2017-11-16.

Conditions:
Mitochondrial DNA depletion syndrome 13. Also called: FBXL4-Related Encephalomyopathic Mitochondrial DNA Depletion Syndrome; Mitochondrial DNA depletion syndrome 13 (encephalomyopathic type). Identifiers: Orphanet 369897, MedGen C3809592, MONDO:0014198, OMIM 615471.

Allele frequency attached by ClinVar (database versions not stated): ExAC 0.00001.
gnomAD v4.1: 1 of 1,613,302 alleles (0.000062%); highest among the groups gnomAD compares: South Asian, 0.0011%; no homozygotes.

Submissions (2):

Institute of Human Genetics Munich, TUM University Hospital
Classification: Likely pathogenic for Mitochondrial DNA depletion syndrome 13. Last evaluated: 2017-11-16. Review status: criteria provided, single submitter. Criteria: Classification criteria August 2017. Collection method: clinical testing. Allele origin: germline. Inheritance: Autosomal recessive inheritance. Affected: yes. Observed: 1 homozygote.

Wong Mito Lab, Molecular and Human Genetics, Baylor College of Medicine
Classification: Uncertain significance for Mitochondrial DNA depletion syndrome 13. Last evaluated: 2017-08-10. Review status: criteria provided, single submitter. Criteria: ACMG Guidelines, 2015. Collection method: reference population. Allele origin: germline.
Comment: The NM_012160.4:c.1772A>C (NP_036292.2:p.Asp591Ala) [GRCH38: NC_000006.12:g.98874372T>G] variant in FBXL4 gene is interpretated to be a Uncertain Significance - Insufficient Evidence based on ACMG guidelines (PMID: 25741868). This variant meets one or more of the following evidence codes reported in the ACMG-guideline. PM2:This variant is absent in key population databases. PM5:This variant causes novel missense change at an amino acid residue where a different pathogenic missense change has been seen before. PP3:Computational evidence/predictors indicate the variant has deleterious effect on FBXL4 structure, function, or protein-protein interaction. Based on this evidence code ClinGen Pathogenicity Calculator (PMID:28081714) suggested that the variant is Uncertain Significance - Insufficient Evidence.

NM_001278716.2(FBXL4):c.1772A>C (p.Asp591Ala)

Gene: FBXL4 (F-box and leucine rich repeat protein 4; minus strand). Cytogenetic location: 6q16.1.
Variant type: single nucleotide variant.
Coding change: c.1772A>C on transcript NM_001278716.2 (MANE Select); coding-DNA position 1772, A replaced by C.
Protein change: p.Asp591Ala; replaces aspartic acid 591 with alanine.
Molecular consequence: missense variant. On other transcripts: non-coding transcript variant (1).
Genome position (GRCh38, 1-based): chr6:98,874,372, T>G on the plus strand (A>C on the coding strand, the complement: FBXL4 is on the minus strand). VCF-style: chr6-98874372-T-G. GRCh37 (hg19) VCF-style: chr6-99322248-T-G.
Other names: c.1772A>C, p.Asp591Ala (NM_012160.5); short protein forms D591A.
Identifiers: ClinVar variation 437812 (VCV000437812.5), dbSNP rs747618415, ClinGen allele CA3933345.